The following is an entry in ClinVar:

NM_001127222.2(CACNA1A):c.1978G>A (p.Val660Met)

Gene: CACNA1A (calcium voltage-gated channel subunit alpha1 A; minus strand). Cytogenetic location: 19p13.13.
Variant type: single nucleotide variant.
Coding change: c.1978G>A on transcript NM_001127222.2 (MANE Select); coding-DNA position 1978, G replaced by A.
Protein change: p.Val660Met; replaces valine 660 with methionine.
Molecular consequence: missense variant.
Genome position (GRCh38, 1-based): chr19:13,307,790, C>T on the plus strand (G>A on the coding strand, the complement: CACNA1A is on the minus strand). VCF-style: chr19-13307790-C-T. GRCh37 (hg19) VCF-style: chr19-13418604-C-T.
Other names: c.1981G>A, p.Val661Met (NM_000068.4, NM_001127221.2, NM_001174080.2 and 1 more transcripts); short protein forms V661M, V660M.
Identifiers: ClinVar variation 1350165 (VCV001350165.8), dbSNP rs2145002166, ClinGen allele CA404344551.

ClinVar aggregate classification (germline): Uncertain significance (1 of 4 stars; one submission).

Conditions:
Episodic ataxia type 2 (EA2). Also called: ATAXIA, EPISODIC, WITH NYSTAGMUS; ATAXIA, FAMILIAL PAROXYSMAL; CEREBELLAR ATAXIA, PAROXYSMAL, ACETAZOLAMIDE-RESPONSIVE; CEREBELLOPATHY, HEREDITARY PAROXYSMAL; EPISODIC ATAXIA, NYSTAGMUS-ASSOCIATED; ACETAZOLAMIDE-RESPONSIVE HEREDITARY PAROXYSMAL CEREBELLAR ATAXIA. Identifiers: Orphanet 97, MedGen C1720416, MONDO:0007163, OMIM 108500.
Developmental and epileptic encephalopathy, 42 (DEE42A). Also called: DEVELOPMENTAL AND EPILEPTIC ENCEPHALOPATHY 42A; EPILEPTIC ENCEPHALOPATHY, EARLY INFANTILE, 42A; Epileptic encephalopathy, early infantile, 42. Identifiers: MedGen C4310716, MONDO:0014917, OMIM 617106.

Submission:

Labcorp Genetics (formerly Invitae), Labcorp
Classification: Uncertain significance for Developmental and epileptic encephalopathy, 42; Episodic ataxia type 2. Last evaluated: 2022-01-10. Review status: criteria provided, single submitter. Criteria: Invitae Variant Classification Sherloc (09022015). Collection method: clinical testing. Allele origin: germline.
Comment: This sequence change replaces valine, which is neutral and non-polar, with methionine, which is neutral and non-polar, at codon 661 of the CACNA1A protein (p.Val661Met). This variant is not present in population databases (gnomAD no frequency). This variant has not been reported in the literature in individuals affected with CACNA1A-related conditions. Advanced modeling of protein sequence and biophysical properties (such as structural, functional, and spatial information, amino acid conservation, physicochemical variation, residue mobility, and thermodynamic stability) performed at Invitae indicates that this missense variant is expected to disrupt CACNA1A protein function. In summary, the available evidence is currently insufficient to determine the role of this variant in disease. Therefore, it has been classified as a Variant of Uncertain Significance.